The following continues an entry in ClinVar:

NM_001130823.3(DNMT1):c.3939C>T (p.Gly1313=)

Gene: DNMT1. ClinVar aggregate classification (germline): Benign. Benign (8).

Submissions 31 to 65 of 65:

Dr. Peter K. Rogan Lab, Western University
No classification provided (evidence only). Condition: Colorectal cancer. Review status: no classification provided. Collection method: in vitro. Allele origin: not applicable. Functional consequence: retained intron. Not counted in ClinVar's aggregate classification.

Dr. Peter K. Rogan Lab, Western University
No classification provided (evidence only). Condition: Colorectal cancer. Review status: no classification provided. Collection method: in vitro. Allele origin: not applicable. Functional consequence: retained intron. Not counted in ClinVar's aggregate classification.

Dr. Peter K. Rogan Lab, Western University
No classification provided (evidence only). Condition: Thyroid cancer, nonmedullary, 1. Review status: no classification provided. Collection method: in vitro. Allele origin: not applicable. Functional consequence: retained intron. Not counted in ClinVar's aggregate classification.

Dr. Peter K. Rogan Lab, Western University
No classification provided (evidence only). Condition: Thyroid cancer, nonmedullary, 1. Review status: no classification provided. Collection method: in vitro. Allele origin: not applicable. Functional consequence: retained intron. Not counted in ClinVar's aggregate classification.

Dr. Peter K. Rogan Lab, Western University
No classification provided (evidence only). Condition: Thyroid cancer, nonmedullary, 1. Review status: no classification provided. Collection method: in vitro. Allele origin: not applicable. Functional consequence: retained intron. Not counted in ClinVar's aggregate classification.

Dr. Peter K. Rogan Lab, Western University
No classification provided (evidence only). Condition: Thyroid cancer, nonmedullary, 1. Review status: no classification provided. Collection method: in vitro. Allele origin: not applicable. Functional consequence: retained intron. Not counted in ClinVar's aggregate classification.

Dr. Peter K. Rogan Lab, Western University
No classification provided (evidence only). Condition: Thyroid cancer, nonmedullary, 1. Review status: no classification provided. Collection method: in vitro. Allele origin: not applicable. Functional consequence: retained intron. Not counted in ClinVar's aggregate classification.

Dr. Peter K. Rogan Lab, Western University
No classification provided (evidence only). Condition: Cervical cancer. Review status: no classification provided. Collection method: in vitro. Allele origin: not applicable. Functional consequence: retained intron. Not counted in ClinVar's aggregate classification.

Dr. Peter K. Rogan Lab, Western University
No classification provided (evidence only). Condition: Cervical cancer. Review status: no classification provided. Collection method: in vitro. Allele origin: not applicable. Functional consequence: retained intron. Not counted in ClinVar's aggregate classification.

Dr. Peter K. Rogan Lab, Western University
No classification provided (evidence only). Condition: Cervical cancer. Review status: no classification provided. Collection method: in vitro. Allele origin: not applicable. Functional consequence: retained intron. Not counted in ClinVar's aggregate classification.

Dr. Peter K. Rogan Lab, Western University
No classification provided (evidence only). Condition: Cervical cancer. Review status: no classification provided. Collection method: in vitro. Allele origin: not applicable. Functional consequence: retained intron. Not counted in ClinVar's aggregate classification.

Dr. Peter K. Rogan Lab, Western University
No classification provided (evidence only). Condition: Cervical cancer. Review status: no classification provided. Collection method: in vitro. Allele origin: not applicable. Functional consequence: retained intron. Not counted in ClinVar's aggregate classification.

Dr. Peter K. Rogan Lab, Western University
No classification provided (evidence only). Condition: Cervical cancer. Review status: no classification provided. Collection method: in vitro. Allele origin: not applicable. Functional consequence: retained intron. Not counted in ClinVar's aggregate classification.

Dr. Peter K. Rogan Lab, Western University
No classification provided (evidence only). Condition: Cervical cancer. Review status: no classification provided. Collection method: in vitro. Allele origin: not applicable. Functional consequence: retained intron. Not counted in ClinVar's aggregate classification.

Dr. Peter K. Rogan Lab, Western University
No classification provided (evidence only). Condition: Sarcoma. Review status: no classification provided. Collection method: in vitro. Allele origin: not applicable. Functional consequence: retained intron. Not counted in ClinVar's aggregate classification.

Dr. Peter K. Rogan Lab, Western University
No classification provided (evidence only). Condition: Malignant lymphoma, large B-cell, diffuse. Review status: no classification provided. Collection method: in vitro. Allele origin: not applicable. Functional consequence: retained intron. Not counted in ClinVar's aggregate classification.

Dr. Peter K. Rogan Lab, Western University
No classification provided (evidence only). Condition: Hepatocellular carcinoma. Review status: no classification provided. Collection method: in vitro. Allele origin: not applicable. Functional consequence: retained intron. Not counted in ClinVar's aggregate classification.

Dr. Peter K. Rogan Lab, Western University
No classification provided (evidence only). Condition: Hepatocellular carcinoma. Review status: no classification provided. Collection method: in vitro. Allele origin: not applicable. Functional consequence: retained intron. Not counted in ClinVar's aggregate classification.

Dr. Peter K. Rogan Lab, Western University
No classification provided (evidence only). Condition: Hepatocellular carcinoma. Review status: no classification provided. Collection method: in vitro. Allele origin: not applicable. Functional consequence: retained intron. Not counted in ClinVar's aggregate classification.

Dr. Peter K. Rogan Lab, Western University
No classification provided (evidence only). Condition: Nonpapillary renal cell carcinoma. Review status: no classification provided. Collection method: in vitro. Allele origin: not applicable. Functional consequence: retained intron. Not counted in ClinVar's aggregate classification.

Dr. Peter K. Rogan Lab, Western University
No classification provided (evidence only). Condition: Thymoma. Review status: no classification provided. Collection method: in vitro. Allele origin: not applicable. Functional consequence: retained intron. Not counted in ClinVar's aggregate classification.

Dr. Peter K. Rogan Lab, Western University
No classification provided (evidence only). Condition: Thymoma. Review status: no classification provided. Collection method: in vitro. Allele origin: not applicable. Functional consequence: retained intron. Not counted in ClinVar's aggregate classification.

Dr. Peter K. Rogan Lab, Western University
No classification provided (evidence only). Condition: Thymoma. Review status: no classification provided. Collection method: in vitro. Allele origin: not applicable. Functional consequence: retained intron. Not counted in ClinVar's aggregate classification.

Dr. Peter K. Rogan Lab, Western University
No classification provided (evidence only). Condition: Thymoma. Review status: no classification provided. Collection method: in vitro. Allele origin: not applicable. Functional consequence: retained intron. Not counted in ClinVar's aggregate classification.

Dr. Peter K. Rogan Lab, Western University
No classification provided (evidence only). Condition: Ovarian serous cystadenocarcinoma. Review status: no classification provided. Collection method: in vitro. Allele origin: not applicable. Functional consequence: retained intron. Not counted in ClinVar's aggregate classification.

Dr. Peter K. Rogan Lab, Western University
No classification provided (evidence only). Condition: Ovarian serous cystadenocarcinoma. Review status: no classification provided. Collection method: in vitro. Allele origin: not applicable. Functional consequence: retained intron. Not counted in ClinVar's aggregate classification.

Dr. Peter K. Rogan Lab, Western University
No classification provided (evidence only). Condition: Ovarian serous cystadenocarcinoma. Review status: no classification provided. Collection method: in vitro. Allele origin: not applicable. Functional consequence: retained intron. Not counted in ClinVar's aggregate classification.

Dr. Peter K. Rogan Lab, Western University
No classification provided (evidence only). Condition: Gastric cancer. Review status: no classification provided. Collection method: in vitro. Allele origin: not applicable. Functional consequence: retained intron. Not counted in ClinVar's aggregate classification.

Dr. Peter K. Rogan Lab, Western University
No classification provided (evidence only). Condition: Gastric cancer. Review status: no classification provided. Collection method: in vitro. Allele origin: not applicable. Functional consequence: retained intron. Not counted in ClinVar's aggregate classification.

Dr. Peter K. Rogan Lab, Western University
No classification provided (evidence only). Condition: Gastric cancer. Review status: no classification provided. Collection method: in vitro. Allele origin: not applicable. Functional consequence: retained intron. Not counted in ClinVar's aggregate classification.

Dr. Peter K. Rogan Lab, Western University
No classification provided (evidence only). Condition: Gastric cancer. Review status: no classification provided. Collection method: in vitro. Allele origin: not applicable. Functional consequence: retained intron. Not counted in ClinVar's aggregate classification.

Dr. Peter K. Rogan Lab, Western University
No classification provided (evidence only). Condition: Gastric cancer. Review status: no classification provided. Collection method: in vitro. Allele origin: not applicable. Functional consequence: retained intron. Not counted in ClinVar's aggregate classification.

Dr. Peter K. Rogan Lab, Western University
No classification provided (evidence only). Condition: Malignant tumor of esophagus. Review status: no classification provided. Collection method: in vitro. Allele origin: not applicable. Functional consequence: retained intron. Not counted in ClinVar's aggregate classification.

Dr. Peter K. Rogan Lab, Western University
No classification provided (evidence only). Condition: Malignant tumor of esophagus. Review status: no classification provided. Collection method: in vitro. Allele origin: not applicable. Functional consequence: retained intron. Not counted in ClinVar's aggregate classification.

Dr. Peter K. Rogan Lab, Western University
No classification provided (evidence only). Condition: Malignant tumor of esophagus. Review status: no classification provided. Collection method: in vitro. Allele origin: not applicable. Functional consequence: retained intron. Not counted in ClinVar's aggregate classification.